The following is an entry in ClinVar:

NM_000051.4(ATM):c.4636G>C (p.Val1546Leu)

Gene: ATM (ATM serine/threonine kinase; plus strand). Cytogenetic location: 11q22.3.
Variant type: single nucleotide variant.
Coding change: c.4636G>C on transcript NM_000051.4 (MANE Select); coding-DNA position 4636, G replaced by C.
Protein change: p.Val1546Leu; replaces valine 1546 with leucine.
Molecular consequence: missense variant.
Genome position (GRCh38, 1-based): chr11:108,293,337, G>C. VCF-style: chr11-108293337-G-C. GRCh37 (hg19) VCF-style: chr11-108164064-G-C.
Other names: c.4636G>C, p.Val1546Leu (NM_001351834.2); short protein forms V1546L.
Identifiers: ClinVar variation 4866445 (VCV004866445.1).

ClinVar aggregate classification (germline): Uncertain significance (1 of 4 stars; one submission).

Conditions:
Hereditary cancer-predisposing syndrome. Also called: Neoplastic Syndromes, Hereditary; Tumor predisposition; Hereditary Cancer Syndrome; Hereditary neoplastic syndrome. Identifiers: Orphanet 140162, MedGen C0027672, MeSH D009386, MONDO:0015356.

gnomAD v4.1: 1 of 1,567,962 alleles (0.000064%); highest among the groups gnomAD compares: South Asian, 0.0011%; no homozygotes.

Submission:

Ambry Genetics
Classification: Uncertain significance for Hereditary cancer-predisposing syndrome. Last evaluated: 2026-04-26. Review status: criteria provided, single submitter. Criteria: Ambry Variant Classification Scheme 2023. Collection method: clinical testing. Allele origin: germline.
Comment: The p.V1546L variant (also known as c.4636G>C), located in coding exon 30 of the ATM gene, results from a G to C substitution at nucleotide position 4636. The valine at codon 1546 is replaced by leucine, an amino acid with highly similar properties. This amino acid position is conserved. In addition, this alteration is predicted to be tolerated by in silico analysis. Based on the available evidence, the clinical significance of this variant remains unclear.